The following is an entry in ClinVar:

ClinVar aggregate classification (germline): Uncertain significance. Review status: criteria provided, multiple submitters, no conflicts (2 of 4 stars). 3 submissions from 3 submitters: Uncertain significance (2). 1 of the submissions does not count toward it. Last evaluated 2022-09-09.

Conditions:
Cardiovascular phenotype. Identifiers: MedGen CN230736.
Wolff-Parkinson-White pattern. Also called: Auriculoventricular accessory pathway syndrome; False bundle branch block syndrome; Anomalous ventricular excitation syndrome; WPW SYNDROME. Identifiers: MedGen C0043202, MONDO:0008685, OMIM 194200, HP:0001716.

Allele frequency attached by ClinVar (database versions not stated): TOPMed 0.00001.

Submissions (3):

Ambry Genetics
Classification: Uncertain significance for Cardiovascular phenotype. Last evaluated: 2022-09-09. Review status: criteria provided, single submitter. Criteria: Ambry Variant Classification Scheme 2023. Collection method: clinical testing. Allele origin: germline.
Comment: The p.E258G variant (also known as c.773A>G), located in coding exon 4 of the JUP gene, results from an A to G substitution at nucleotide position 773. The glutamic acid at codon 258 is replaced by glycine, an amino acid with similar properties. This alteration has been reported in a Wolff-Parkinson-White syndrome cohort; however, clinical details were limited (Coban-Akdemir ZH et al. Am J Med Genet A, 2020 06;182:1387-1399). This amino acid position is highly conserved in available vertebrate species. In addition, the in silico prediction for this alteration is inconclusive. Since supporting evidence is limited at this time, the clinical significance of this alteration remains unclear.

GeneDx
Classification: Uncertain significance. Last evaluated: 2021-11-17. Review status: criteria provided, single submitter. Criteria: GeneDx Variant Classification Process June 2021. Collection method: clinical testing. Allele origin: germline. Affected: yes.
Comment: Reported in a patient with Wolff-Parkinson-White syndrome (Coban-Akdemir ZH et al., 2020); Not observed at significant frequency in large population cohorts (gnomAD); In silico analysis supports that this missense variant has a deleterious effect on protein structure/function; This variant is associated with the following publications: (PMID: 32233023)

Lupski Lab, Baylor-Hopkins CMG, Baylor College of Medicine
Classification: Likely pathogenic for Wolff-Parkinson-White pattern. Last evaluated: 2017-07-14. Review status: no assertion criteria provided. Collection method: research. Allele origin: unknown. Affected: yes. Observed: 1 variant allele. Study: Candidate_variants_in_patients_with_ Wolff-Parkinson-White Syndrome. Not counted in ClinVar's aggregate classification.

Literature cited by the submitters: PubMed 32233023 (cited by Ambry Genetics).

NM_002230.4(JUP):c.773A>G (p.Glu258Gly)

Gene: JUP (junction plakoglobin; minus strand). Cytogenetic location: 17q21.2.
Variant type: single nucleotide variant.
Coding change: c.773A>G on transcript NM_002230.4 (MANE Select); coding-DNA position 773, A replaced by G.
Protein change: p.Glu258Gly; replaces glutamic acid 258 with glycine.
Molecular consequence: missense variant.
Genome position (GRCh38, 1-based): chr17:41,767,515, T>C on the plus strand (A>G on the coding strand, the complement: JUP is on the minus strand). VCF-style: chr17-41767515-T-C. GRCh37 (hg19) VCF-style: chr17-39923767-T-C.
Other names: p.E258G:GAG>GGG; c.773A>G, p.Glu258Gly (NM_001352773.2, NM_001352774.2, NM_001352775.2 and 3 more transcripts); short protein forms E258G.
Identifiers: ClinVar variation 201830 (VCV000201830.6), dbSNP rs794729052, ClinGen allele CA308561.